The following is an entry in ClinVar:

ClinVar aggregate classification (germline): Likely benign. Review status: criteria provided, single submitter (1 of 4 stars). 2 submissions from 2 submitters: Likely benign (1). 1 of the submissions does not count toward it. Last evaluated 2025-12-08.

Conditions:
FTCD-related disorder. Also called: FTCD-related condition.
Glutamate formiminotransferase deficiency. Also called: Arakawa syndrome 1; Formiminoglutamic aciduria. Identifiers: Orphanet 51208, MedGen C0268609, MONDO:0009240, OMIM 229100.

Allele frequency attached by ClinVar (database versions not stated): gnomAD exomes 0.00005; ExAC 0.00017; gnomAD 0.00044; TOPMed 0.00053; ESP Exome Variant Server 0.00054; 1000 Genomes Project 30x 0.00094; 1000 Genomes Project 0.00120.
gnomAD v4.1: 141 of 1,612,848 alleles (0.0087%); highest among the groups gnomAD compares: African/African-American, 0.14%; no homozygotes.

Submissions (2):

Labcorp Genetics (formerly Invitae), Labcorp
Classification: Likely benign for Glutamate formiminotransferase deficiency. Last evaluated: 2025-12-08. Review status: criteria provided, single submitter. Criteria: Invitae Variant Classification Sherloc (09022015). Collection method: clinical testing. Allele origin: germline.

PreventionGenetics, part of Exact Sciences
Classification: Likely benign for FTCD-related condition. Last evaluated: 2019-06-20. Review status: no assertion criteria provided. Collection method: clinical testing. Allele origin: germline. Not counted in ClinVar's aggregate classification.
Comment: This variant is classified as likely benign based on ACMG/AMP sequence variant interpretation guidelines (Richards et al. 2015 PMID: 25741868, with internal and published modifications).

NM_206965.2(FTCD):c.171C>T (p.Cys57=)

Gene: FTCD (formimidoyltransferase cyclodeaminase; minus strand). Cytogenetic location: 21q22.3.
Variant type: single nucleotide variant.
Coding change: c.171C>T on transcript NM_206965.2 (MANE Select); coding-DNA position 171, C replaced by T.
Protein change: p.Cys57=; no amino-acid change (cysteine 57 retained).
Molecular consequence: synonymous variant.
Genome position (GRCh38, 1-based): chr21:46,154,216, G>A on the plus strand (C>T on the coding strand, the complement: FTCD is on the minus strand). VCF-style: chr21-46154216-G-A. GRCh37 (hg19) VCF-style: chr21-47574130-G-A.
Other names: c.171C>T, p.Cys57= (NM_001320412.2, NM_006657.3); c.171C>T (NM_001320412.1).
Identifiers: ClinVar variation 1970391 (VCV001970391.7), dbSNP rs139986036, ClinGen allele CA10074034.
Genomic context (GRCh38, chr21:46,154,216, plus strand): 5'-CCTGCTCATGTCGATAAGTCGGGAAGCTACCCGGGCAGCGTTGAGGGCCCCCTCCACCAC[G>A]CACTCCGGCGGCCCCACGAAGGTGTACACGGTGCGGTTGGTGGAAGGGCCTGCGTCCACA-3'
Protein context (NP_996848.1, residues 47-67): TVYTFVGPPE[Cys57=]VVEGALNAAR